The following is an entry in ClinVar:

NM_001288705.3(CSF1R):c.2165C>A (p.Thr722Asn)

Gene: CSF1R (colony stimulating factor 1 receptor; minus strand). Cytogenetic location: 5q32.
Variant type: single nucleotide variant.
Coding change: c.2165C>A on transcript NM_001288705.3 (MANE Select); coding-DNA position 2165, C replaced by A.
Protein change: p.Thr722Asn; replaces threonine 722 with asparagine.
Molecular consequence: missense variant. On other transcripts: non-coding transcript variant (2).
Genome position (GRCh38, 1-based): chr5:150,057,560, G>T on the plus strand (C>A on the coding strand, the complement: CSF1R is on the minus strand). VCF-style: chr5-150057560-G-T. GRCh37 (hg19) VCF-style: chr5-149437123-G-T.
Other names: c.2165C>A, p.Thr722Asn (NM_001349736.2, NM_001375320.1, NM_005211.4); c.1721C>A, p.Thr574Asn (NM_001375321.1); short protein forms T722N, T574N.
Identifiers: ClinVar variation 352139 (VCV000352139.5), dbSNP rs371017407, ClinGen allele CA3506531.

ClinVar aggregate classification (germline): Likely benign (1 of 4 stars; one submission).

Conditions:
Hereditary diffuse leukoencephalopathy with spheroids. Also called: LEUKOENCEPHALOPATHY, ADULT-ONSET, WITH AXONAL SPHEROIDS AND PIGMENTED GLIA. Identifiers: Orphanet 313808, MedGen C3711381, MONDO:0030796.

Allele frequency attached by ClinVar (database versions not stated): ExAC 0.00005; TOPMed 0.00002; gnomAD exomes 0.00006; gnomAD 0.00002; ESP Exome Variant Server 0.00015.
gnomAD v4.1: 51 of 1,614,100 alleles (0.0032%); highest among the groups gnomAD compares: Non-Finnish European, 0.00093%; no homozygotes.

Submission:

Illumina Laboratory Services, Illumina
Classification: Likely benign for Leukoencephalopathy, diffuse hereditary, with spheroids 1. Last evaluated: 2018-01-13. Review status: criteria provided, single submitter. Criteria: ICSL Variant Classification Criteria 13 December 2019. Collection method: clinical testing. Allele origin: germline.
Comment: This variant was observed in the ICSL laboratory as part of a predisposition screen in an ostensibly healthy population. It had not been previously curated by ICSL or reported in the Human Gene Mutation Database (HGMD: prior to June 1st, 2018), and was therefore a candidate for classification through an automated scoring system. Utilizing variant allele frequency, disease prevalence and penetrance estimates, and inheritance mode, an automated score was calculated to assess if this variant is too frequent to cause the disease. Based on the score and internal cut-off values, a variant classified as likely benign is not then subjected to further curation. The score for this variant resulted in a classification of likely benign for this disease.